The following is an entry in ClinVar:

ClinVar aggregate classification (germline): Uncertain significance (1 of 4 stars; one submission).

Conditions:
Hereditary cancer-predisposing syndrome. Also called: Hereditary neoplastic syndrome; Hereditary Cancer Syndrome; Neoplastic Syndromes, Hereditary; Tumor predisposition. Identifiers: Orphanet 140162, MedGen C0027672, MeSH D009386, MONDO:0015356.

Submission:

Color Diagnostics, LLC DBA Color Health
Classification: Uncertain significance for Hereditary cancer-predisposing syndrome. Last evaluated: 2022-11-16. Review status: criteria provided, single submitter. Criteria: ACMG Guidelines, 2015. Collection method: clinical testing. Allele origin: germline.
Comment: This missense variant replaces glycine with arginine at codon 2836 of the APC protein. Computational prediction suggests that this variant may have deleterious impact on protein structure and function (internally defined REVEL score threshold >= 0.7, PMID: 27666373). To our knowledge, functional studies have not been reported for this variant. This variant has not been reported in individuals affected with APC-related disorders in the literature. This variant has not been identified in the general population by the Genome Aggregation Database (gnomAD). The available evidence is insufficient to determine the role of this variant in disease conclusively. Therefore, this variant is classified as a Variant of Uncertain Significance.

NM_000038.6(APC):c.8506G>C (p.Gly2836Arg)

Gene: APC (APC regulator of Wnt signaling pathway; plus strand). Cytogenetic location: 5q22.2.
Variant type: single nucleotide variant.
Coding change: c.8506G>C on transcript NM_000038.6 (MANE Select); coding-DNA position 8506, G replaced by C.
Protein change: p.Gly2836Arg; replaces glycine 2836 with arginine.
Molecular consequence: missense variant. On other transcripts: non-coding transcript variant (2).
Genome position (GRCh38, 1-based): chr5:112,844,100, G>C. VCF-style: chr5-112844100-G-C. GRCh37 (hg19) VCF-style: chr5-112179797-G-C.
Other names: c.8506G>C, p.Gly2836Arg (NM_001127510.3, NM_001354895.2, NM_001407450.1); c.8452G>C, p.Gly2818Arg (NM_001127511.3); c.8560G>C, p.Gly2854Arg (NM_001354896.2, NM_001407447.1, NM_001407448.1 and 1 more transcripts); c.8536G>C, p.Gly2846Arg (NM_001354897.2); c.8431G>C, p.Gly2811Arg (NM_001354898.2); c.8422G>C, p.Gly2808Arg (NM_001354899.2); c.8383G>C, p.Gly2795Arg (NM_001354900.2); c.8329G>C, p.Gly2777Arg (NM_001354901.2, NM_001407453.1); and 11 more; short protein forms G2553R, G2795R, G2846R, G2676R, G2735R, G2808R, G2818R, G2452R.
Identifiers: ClinVar variation 2773790 (VCV002773790.2), dbSNP rs1427281586, ClinGen allele CA16039783.
Genomic context (GRCh38, chr5:112,844,100, plus strand): 5'-CGAGATTCCAAAACTGACAGCACAGAATCCAGTGGAACCCAAAGTCCTAAGCGCCATTCT[G>C]GGTCTTACCTTGTGACATCTGTTTAAAAGAGAGGAAGAATGAAACTAAGAAAATTCTATG-3'
Protein context (NP_000029.2, residues 2826-2843): SGTQSPKRHS[Gly2836Arg]SYLVTSV